The following is an entry in ClinVar:

ClinVar aggregate classification (germline): Uncertain significance (1 of 4 stars; one submission).

gnomAD v4.1: 3 of 1,609,434 alleles (0.00019%); highest among the groups gnomAD compares: Non-Finnish European, 0.00026%; no homozygotes.

Submission:

GeneDx
Classification: Uncertain significance. Last evaluated: 2019-04-08. Review status: criteria provided, single submitter. Criteria: GeneDx Variant Classification Process June 2021. Collection method: clinical testing. Allele origin: germline. Affected: yes.
Comment: Not observed in large population cohorts (Lek et al., 2016); Has not been previously published as pathogenic or benign to our knowledge; In-silico analysis, which includes splice predictors and evolutionary conservation, is inconclusive as to whether the variant alters gene splicing. In the absence of RNA/functional studies, the actual effect of this sequence change is unknown.

NM_002979.5(SCP2):c.825+3A>G

Gene: SCP2 (sterol carrier protein 2; plus strand). Cytogenetic location: 1p32.3.
Variant type: single nucleotide variant.
Coding change: c.825+3A>G on transcript NM_002979.5 (MANE Select); 3 bases into the intron after coding-DNA position 825, A replaced by G.
Molecular consequence: intron variant.
Genome position (GRCh38, 1-based): chr1:52,978,370, A>G. VCF-style: chr1-52978370-A-G. GRCh37 (hg19) VCF-style: chr1-53444042-A-G.
Other names: c.693+3A>G (NM_001193600.2, NM_001007098.3); c.753+3A>G (NM_001193599.2); c.582+3A>G (NM_001193617.2); c.825+3A>G (NM_001330587.2).
Identifiers: ClinVar variation 1304982 (VCV001304982.2), dbSNP rs2150170273, ClinGen allele CA2573051593.
Genomic context (GRCh38, chr1:52,978,370, plus strand): 5'-ACAAGAAATGATGACTGATTTGCCAAGCTCGTTTGAAGAAAAAAGCATTATTAAAATGGT[A>G]TGTCTGAGATTCTATTTGTTATTTTTATTTTTAAGATGGAGTCTCATGATTCTTGTGATG-3'